The following is an entry in ClinVar:

NM_001303256.3(MORC2):c.1828C>T (p.Pro610Ser)

Gene: MORC2 (MORC family CW-type zinc finger 2; minus strand). Cytogenetic location: 22q12.2.
Variant type: single nucleotide variant.
Coding change: c.1828C>T on transcript NM_001303256.3 (MANE Select); coding-DNA position 1828, C replaced by T.
Protein change: p.Pro610Ser; replaces proline 610 with serine.
Molecular consequence: missense variant.
Genome position (GRCh38, 1-based): chr22:30,935,146, G>A on the plus strand (C>T on the coding strand, the complement: MORC2 is on the minus strand). VCF-style: chr22-30935146-G-A. GRCh37 (hg19) VCF-style: chr22-31331133-G-A.
Other names: c.1828C>T, p.Pro610Ser (NM_001303257.2); c.1642C>T, p.Pro548Ser (NM_014941.3); short protein forms P548S, P610S.
Identifiers: ClinVar variation 2962922 (VCV002962922.3), dbSNP rs2517580726, ClinGen allele CA411235967.

ClinVar aggregate classification (germline): Uncertain significance (1 of 4 stars; one submission).

Conditions:
Charcot-Marie-Tooth disease axonal type 2Z. Also called: CHARCOT-MARIE-TOOTH DISEASE, AXONAL, AUTOSOMAL DOMINANT, TYPE 2Z; CHARCOT-MARIE-TOOTH NEUROPATHY, TYPE 2Z. Identifiers: Orphanet 466768, MedGen C5569025, MONDO:0014736, OMIM 616688.

gnomAD v4.1: 1 of 1,612,982 alleles (0.000062%); highest among the groups gnomAD compares: African/African-American, 0.0013%; no homozygotes.

Submission:

Labcorp Genetics (formerly Invitae), Labcorp
Classification: Uncertain significance for Charcot-Marie-Tooth disease axonal type 2Z. Last evaluated: 2023-10-20. Review status: criteria provided, single submitter. Criteria: Invitae Variant Classification Sherloc (09022015). Collection method: clinical testing. Allele origin: germline.
Comment: This sequence change replaces proline, which is neutral and non-polar, with serine, which is neutral and polar, at codon 610 of the MORC2 protein (p.Pro610Ser). This variant is not present in population databases (gnomAD no frequency). This variant has not been reported in the literature in individuals affected with MORC2-related conditions. Advanced modeling of protein sequence and biophysical properties (such as structural, functional, and spatial information, amino acid conservation, physicochemical variation, residue mobility, and thermodynamic stability) performed at Invitae indicates that this missense variant is not expected to disrupt MORC2 protein function. In summary, the available evidence is currently insufficient to determine the role of this variant in disease. Therefore, it has been classified as a Variant of Uncertain Significance.